The following is an entry in ClinVar:

ClinVar aggregate classification (germline): Uncertain significance (0 of 4 stars; one submission).

Conditions:
PHIP-related disorder. Also called: PHIP-related condition; PHIP-related disorders.

Submission:

PreventionGenetics, part of Exact Sciences
Classification: Uncertain significance for PHIP-related condition. Last evaluated: 2024-02-07. Review status: no assertion criteria provided. Collection method: clinical testing. Allele origin: germline.
Comment: The PHIP c.2770-8T>G variant is predicted to interfere with splicing. This variant is predicted to decrease the strength of the canonical splice acceptor site (SpliceAI, Jaganathan et al. 2019. PubMed ID: 30661751). To our knowledge, this variant has not been reported in the literature or in a large population database, indicating this variant is rare. At this time, the clinical significance of this variant is uncertain due to the absence of conclusive functional and genetic evidence.

NM_017934.7(PHIP):c.2770-8T>G

Genes: IRAK1BP1 (interleukin 1 receptor associated kinase 1 binding protein 1; plus strand), PHIP (PHIP subunit of CUL4-Ring ligase complex; minus strand). Cytogenetic location: 6q14.1.
Variant type: single nucleotide variant.
Coding change: c.2770-8T>G on transcript NM_017934.7 (MANE Select); 8 bases into the intron before coding-DNA position 2770, T replaced by G.
Molecular consequence: intron variant.
Genome position (GRCh38, 1-based): chr6:78,978,719, A>C on the plus strand (T>G on the coding strand, the complement: PHIP is on the minus strand). VCF-style: chr6-78978719-A-C. GRCh37 (hg19) VCF-style: chr6-79688436-A-C.
Identifiers: ClinVar variation 3348760 (VCV003348760.1).